The following is an entry in ClinVar:

NM_000747.3(CHRNB1):c.685G>A (p.Glu229Lys)

Gene: CHRNB1 (cholinergic receptor nicotinic beta 1 subunit; plus strand). Cytogenetic location: 17p13.1.
Variant type: single nucleotide variant.
Coding change: c.685G>A on transcript NM_000747.3 (MANE Select); coding-DNA position 685, G replaced by A.
Protein change: p.Glu229Lys; replaces glutamic acid 229 with lysine.
Molecular consequence: missense variant.
Genome position (GRCh38, 1-based): chr17:7,448,653, G>A. VCF-style: chr17-7448653-G-A. GRCh37 (hg19) VCF-style: chr17-7351972-G-A.
Other names: short protein forms E229K.
Identifiers: ClinVar variation 4690788 (VCV004690788.1).

ClinVar aggregate classification (germline): Uncertain significance (1 of 4 stars; one submission).

Conditions:
Congenital myasthenic syndrome 2A. Also called: Myasthenic syndrome, congenital, 2a, slow-channel. Identifiers: Orphanet 590, MedGen C4225374, MONDO:0014581, OMIM 616313.

Submission:

Labcorp Genetics (formerly Invitae), Labcorp
Classification: Uncertain significance for Congenital myasthenic syndrome 2A. Last evaluated: 2025-05-18. Review status: criteria provided, single submitter. Criteria: Invitae Variant Classification Sherloc (09022015). Collection method: clinical testing. Allele origin: germline.
Comment: This sequence change replaces glutamic acid, which is acidic and polar, with lysine, which is basic and polar, at codon 229 of the CHRNB1 protein (p.Glu229Lys). This variant is present in population databases (no rsID available, gnomAD 0.002%). This variant has not been reported in the literature in individuals affected with CHRNB1-related conditions. Invitae Evidence Modeling of protein sequence and biophysical properties (such as structural, functional, and spatial information, amino acid conservation, physicochemical variation, residue mobility, and thermodynamic stability) indicates that this missense variant is not expected to disrupt CHRNB1 protein function with a negative predictive value of 80%. In summary, the available evidence is currently insufficient to determine the role of this variant in disease. Therefore, it has been classified as a Variant of Uncertain Significance.